The following is an entry in ClinVar:

NM_001252.5(CD70):c.248G>A (p.Arg83His)

Gene: CD70 (CD70 molecule; minus strand). Cytogenetic location: 19p13.3.
Variant type: single nucleotide variant.
Coding change: c.248G>A on transcript NM_001252.5 (MANE Select); coding-DNA position 248, G replaced by A.
Protein change: p.Arg83His; replaces arginine 83 with histidine.
Molecular consequence: missense variant.
Genome position (GRCh38, 1-based): chr19:6,586,354, C>T on the plus strand (G>A on the coding strand, the complement: CD70 is on the minus strand). VCF-style: chr19-6586354-C-T. GRCh37 (hg19) VCF-style: chr19-6586365-C-T.
Other names: p.Arg83His; c.248G>A, p.Arg83His (NM_001330332.2); short protein forms R83H.
Identifiers: ClinVar variation 3380562 (VCV003380562.1).
Genomic context (GRCh38, chr19:6,586,354, plus strand): 5'-ATGCCATCACGATGGATACGTAGCTGCCCCTTGTCCAGCTCTGGTCCATGCAGGAAGGAG[C>T]GGCCCAGTGCTGGGCCCCCCTGCCAGTATAGCCTGGGGTCCTGCTGAGGTCCTGGGGGCA-3'
Protein context (NP_001243.1, residues 73-93): LYWQGGPALG[Arg83His]SFLHGPELDK

ClinVar aggregate classification (germline): Uncertain significance (1 of 4 stars; one submission).

gnomAD v4.1: 10 of 1,612,628 alleles (0.00062%); highest among the groups gnomAD compares: Non-Finnish European, 0.00017%; no homozygotes.

Submission:

Mayo Clinic Laboratories, Mayo Clinic
Classification: Uncertain significance. Last evaluated: 2024-08-19. Review status: criteria provided, single submitter. Criteria: ACMG Guidelines, 2015. Collection method: clinical testing. Allele origin: germline. Observed: 1 variant allele.
Comment: PM2